The following is an entry in ClinVar:

ClinVar aggregate classification (germline): Uncertain significance. Review status: criteria provided, multiple submitters, no conflicts (2 of 4 stars). 2 submissions from 2 submitters: Uncertain significance (2). Last evaluated 2025-12-15.

Allele frequency attached by ClinVar (database versions not stated): gnomAD exomes 0.00001; gnomAD 0.00005; TOPMed 0.00021.

Submissions (2):

Labcorp Genetics (formerly Invitae), Labcorp
Classification: Uncertain significance. Last evaluated: 2025-12-15. Review status: criteria provided, single submitter. Criteria: Invitae Variant Classification Sherloc (09022015). Collection method: clinical testing. Allele origin: germline.
Comment: This sequence change replaces phenylalanine, which is neutral and non-polar, with leucine, which is neutral and non-polar, at codon 38 of the GUCA1B protein (p.Phe38Leu). This variant is present in population databases (no rsID available, gnomAD 0.006%). This variant has not been reported in the literature in individuals affected with GUCA1B-related conditions. ClinVar contains an entry for this variant (Variation ID: 844511). An algorithm developed to predict the effect of missense changes on protein structure and function (PolyPhen-2) suggests that this variant is likely to be disruptive. In summary, the available evidence is currently insufficient to determine the role of this variant in disease. Therefore, it has been classified as a Variant of Uncertain Significance.

Ambry Genetics
Classification: Uncertain significance. Last evaluated: 2025-07-15. Review status: criteria provided, single submitter. Criteria: Ambry Variant Classification Scheme 2023. Collection method: clinical testing. Allele origin: germline.

NM_002098.6(GUCA1B):c.112T>C (p.Phe38Leu)

Gene: GUCA1B (guanylate cyclase activator 1B; minus strand). Cytogenetic location: 6p21.1.
Variant type: single nucleotide variant.
Coding change: c.112T>C on transcript NM_002098.6 (MANE Select); coding-DNA position 112, T replaced by C.
Protein change: p.Phe38Leu; replaces phenylalanine 38 with leucine.
Molecular consequence: missense variant.
Genome position (GRCh38, 1-based): chr6:42,194,709, A>G on the plus strand (T>C on the coding strand, the complement: GUCA1B is on the minus strand). VCF-style: chr6-42194709-A-G. GRCh37 (hg19) VCF-style: chr6-42162447-A-G.
Other names: short protein forms F38L.
Identifiers: ClinVar variation 844511 (VCV000844511.9), dbSNP rs1035459026, ClinGen allele CA138152899.